The following is an entry in ClinVar:

NM_001378778.1(MPDZ):c.3685C>T (p.Arg1229Trp)

Gene: MPDZ (multiple PDZ domain crumbs cell polarity complex component; minus strand). Cytogenetic location: 9p23.
Variant type: single nucleotide variant.
Coding change: c.3685C>T on transcript NM_001378778.1 (MANE Select); coding-DNA position 3685, C replaced by T.
Protein change: p.Arg1229Trp; replaces arginine 1229 with tryptophan.
Molecular consequence: missense variant. On other transcripts: intron variant (8).
Genome position (GRCh38, 1-based): chr9:13,147,604, G>A on the plus strand (C>T on the coding strand, the complement: MPDZ is on the minus strand). VCF-style: chr9-13147604-G-A. GRCh37 (hg19) VCF-style: chr9-13147603-G-A.
Other names: c.3685C>T, p.Arg1229Trp (NM_001261406.2, NM_001261407.2, NM_001330637.2 and 6 more transcripts); c.3630+2907C>T (NM_001375425.1, NM_001375420.1, NM_001375423.1 and 4 more transcripts); c.3432+2907C>T (NM_001375427.1); short protein forms R1229W.
Identifiers: ClinVar variation 2136744 (VCV002136744.3), dbSNP rs530316767, ClinGen allele CA4987025.

ClinVar aggregate classification (germline): Uncertain significance (1 of 4 stars; one submission).

Allele frequency attached by ClinVar (database versions not stated): gnomAD 0.00001; TOPMed 0.00001; ExAC 0.00002; 1000 Genomes Project 30x 0.00016; 1000 Genomes Project 0.00020.
gnomAD v4.1: 34 of 1,612,330 alleles (0.0021%); highest among the groups gnomAD compares: Non-Finnish European, 0.0026%; no homozygotes.

Submission:

Labcorp Genetics (formerly Invitae), Labcorp
Classification: Uncertain significance. Last evaluated: 2023-10-03. Review status: criteria provided, single submitter. Criteria: Invitae Variant Classification Sherloc (09022015). Collection method: clinical testing. Allele origin: germline.
Comment: This sequence change replaces arginine, which is basic and polar, with tryptophan, which is neutral and slightly polar, at codon 1229 of the MPDZ protein (p.Arg1229Trp). This variant is present in population databases (rs530316767, gnomAD 0.003%). This missense change has been observed in individual(s) with MPDZ-related conditions (PMID: 21862650). ClinVar contains an entry for this variant (Variation ID: 2136744). An algorithm developed to predict the effect of missense changes on protein structure and function (PolyPhen-2) suggests that this variant is likely to be disruptive. In summary, the available evidence is currently insufficient to determine the role of this variant in disease. Therefore, it has been classified as a Variant of Uncertain Significance.

Literature cited by the submitters: PubMed 21862650.